The following is an entry in ClinVar:

NM_004415.4(DSP):c.122A>G (p.Tyr41Cys)

Genes: DSP (desmoplakin; plus strand), DSP-AS1 (DSP antisense RNA 1; minus strand). Cytogenetic location: 6p24.3.
Variant type: single nucleotide variant.
Coding change: c.122A>G on transcript NM_004415.4 (MANE Select); coding-DNA position 122, A replaced by G.
Protein change: p.Tyr41Cys; replaces tyrosine 41 with cysteine.
Molecular consequence: missense variant.
Genome position (GRCh38, 1-based): chr6:7,542,037, A>G. VCF-style: chr6-7542037-A-G. GRCh37 (hg19) VCF-style: chr6-7542270-A-G.
Other names: c.122A>G, p.Tyr41Cys (NM_001319034.2, NM_001406591.1, NM_001008844.3); short protein forms Y41C.
Identifiers: ClinVar variation 3073948 (VCV003073948.3), dbSNP rs1313805843, ClinGen allele CA362675874.

ClinVar aggregate classification (germline): Conflicting classifications of pathogenicity. Review status: criteria provided, conflicting classifications (1 of 4 stars). 3 submissions from 3 submitters: Uncertain significance (2); Likely benign (1). Last evaluated 2025-02-16.

Conditions:
Cardiovascular phenotype. Identifiers: MedGen CN230736.
Arrhythmogenic cardiomyopathy with wooly hair and keratoderma. Also called: PALMOPLANTAR KERATODERMA WITH LEFT VENTRICULAR CARDIOMYOPATHY AND WOOLLY HAIR; Carvajal syndrome; Dilated cardiomyopathy with woolly hair and keratoderma; Arrhythmogenic cardiomyopathy with woolly hair and keratoderma. Identifiers: Orphanet 65282, MedGen C1854063, MONDO:0011581, OMIM 605676.
Arrhythmogenic right ventricular dysplasia 8 (ARVD8). Also called: ARRHYTHMOGENIC RIGHT VENTRICULAR DYSPLASIA, FAMILIAL, 8; ARRHYTHMOGENIC RIGHT VENTRICULAR CARDIOMYOPATHY 8; Arrhythmogenic Right Ventricular Dysplasia/Cardiomyopathy 8. Identifiers: MedGen C1843896, MONDO:0011831, OMIM 607450.

Allele frequency attached by ClinVar (database versions not stated): gnomAD exomes below 0.00001.
gnomAD v4.1: 4 of 1,578,290 alleles (0.00025%); highest among the groups gnomAD compares: Admixed American, 0.0055%; no homozygotes.

Submissions (3):

Labcorp Genetics (formerly Invitae), Labcorp
Classification: Likely benign for Arrhythmogenic cardiomyopathy with wooly hair and keratoderma; Arrhythmogenic right ventricular dysplasia 8. Last evaluated: 2025-02-16. Review status: criteria provided, single submitter. Criteria: Invitae Variant Classification Sherloc (09022015). Collection method: clinical testing. Allele origin: germline.

Ambry Genetics
Classification: Uncertain significance for Cardiovascular phenotype. Last evaluated: 2024-12-20. Review status: criteria provided, single submitter. Criteria: Ambry Variant Classification Scheme 2023. Collection method: clinical testing. Allele origin: germline.
Comment: The p.Y41C variant (also known as c.122A>G), located in coding exon 1 of the DSP gene, results from an A to G substitution at nucleotide position 122. The tyrosine at codon 41 is replaced by cysteine, an amino acid with highly dissimilar properties. This amino acid position is conserved. In addition, this alteration is predicted to be tolerated by in silico analysis. Based on the available evidence, the clinical significance of this variant remains unclear.

All of Us Research Program, National Institutes of Health
Classification: Uncertain significance for Arrhythmogenic cardiomyopathy with wooly hair and keratoderma. Last evaluated: 2023-11-30. Review status: criteria provided, single submitter. Criteria: ACMG Guidelines, 2015. Collection method: clinical testing. Allele origin: germline. Inheritance: Autosomal dominant inheritance. Observed: 1 variant allele, 1 heterozygote.
Comment: This study involves interpretation of variants in research participants for the purpose of population health screening. Participant phenotype was not available at the time of variant classification. Additional details can be found in publication PMID: 35346344, PMCID: PMC8962531